The following is an entry in ClinVar:

ClinVar aggregate classification (germline): Uncertain significance (1 of 4 stars; one submission).

gnomAD v4.1: 2 of 1,543,342 alleles (0.00013%); highest among the groups gnomAD compares: Non-Finnish European, 0.00017%; no homozygotes.

Submission:

GeneDx
Classification: Uncertain significance. Last evaluated: 2024-10-28. Review status: criteria provided, single submitter. Criteria: GeneDx Variant Classification Process June 2021. Collection method: clinical testing. Allele origin: germline. Affected: yes.
Comment: Not observed at significant frequency in large population cohorts (gnomAD); In silico analysis supports that this missense variant has a deleterious effect on protein structure/function; Has not been previously published as pathogenic or benign to our knowledge

NM_001012614.2(CTBP1):c.418C>T (p.Arg140Trp)

Gene: CTBP1 (C-terminal binding protein 1; minus strand). Cytogenetic location: 4p16.3.
Variant type: single nucleotide variant.
Coding change: c.418C>T on transcript NM_001012614.2 (MANE Select); coding-DNA position 418, C replaced by T.
Protein change: p.Arg140Trp; replaces arginine 140 with tryptophan.
Molecular consequence: missense variant.
Genome position (GRCh38, 1-based): chr4:1,225,456, G>A on the plus strand (C>T on the coding strand, the complement: CTBP1 is on the minus strand). VCF-style: chr4-1225456-G-A. GRCh37 (hg19) VCF-style: chr4-1219244-G-A.
Other names: c.451C>T, p.Arg151Trp (NM_001328.3, NM_001377186.1); c.418C>T, p.Arg140Trp (NM_001377187.1, NM_001377188.1, NM_001377189.1 and 4 more transcripts); short protein forms R140W, R151W.
Identifiers: ClinVar variation 3893566 (VCV003893566.1).
Genomic context (GRCh38, chr4:1,225,456, plus strand): 5'-TGGCAGCGCCGGACGCCACCTCGCGGATCTGCTCGACGCTCTGGACTCGTGTGCCCTCCC[G>A]CAGCGCCTGGTGCAGCCAGGTGGCCCGCCGGTACAGGTTCAGGATGTGGCACAGCGTCGA-3'
Protein context (NP_001012632.1, residues 130-150): RRATWLHQAL[Arg140Trp]EGTRVQSVEQ